The following is an entry in ClinVar:

ClinVar aggregate classification (germline): Uncertain significance (1 of 4 stars; one submission).

Allele frequency attached by ClinVar (database versions not stated): ESP Exome Variant Server 0.00008; ExAC 0.00001.
gnomAD v4.1: 14 of 1,607,020 alleles (0.00087%); highest among the groups gnomAD compares: Non-Finnish European, 0.0012%; no homozygotes.

Submission:

Labcorp Genetics (formerly Invitae), Labcorp
Classification: Uncertain significance. Last evaluated: 2022-01-05. Review status: criteria provided, single submitter. Criteria: Invitae Variant Classification Sherloc (09022015). Collection method: clinical testing. Allele origin: germline.
Comment: This sequence change replaces glycine, which is neutral and non-polar, with valine, which is neutral and non-polar, at codon 190 of the ADGRV1 protein (p.Gly190Val). This variant is present in population databases (rs369418418, gnomAD 0.0009%). This variant has not been reported in the literature in individuals affected with ADGRV1-related conditions. ClinVar contains an entry for this variant (Variation ID: 966678). Algorithms developed to predict the effect of missense changes on protein structure and function are either unavailable or do not agree on the potential impact of this missense change (SIFT: "Deleterious"; PolyPhen-2: "Probably Damaging"; Align-GVGD: "Class C15"). In summary, the available evidence is currently insufficient to determine the role of this variant in disease. Therefore, it has been classified as a Variant of Uncertain Significance.

NM_032119.4(ADGRV1):c.569G>T (p.Gly190Val)

Gene: ADGRV1 (adhesion G protein-coupled receptor V1; plus strand). Cytogenetic location: 5q14.3.
Variant type: single nucleotide variant.
Coding change: c.569G>T on transcript NM_032119.4 (MANE Select); coding-DNA position 569, G replaced by T.
Protein change: p.Gly190Val; replaces glycine 190 with valine.
Molecular consequence: missense variant. On other transcripts: non-coding transcript variant (1).
Genome position (GRCh38, 1-based): chr5:90,625,140, G>T. VCF-style: chr5-90625140-G-T. GRCh37 (hg19) VCF-style: chr5-89920957-G-T.
Other names: short protein forms G190V.
Identifiers: ClinVar variation 966678 (VCV000966678.7), dbSNP rs369418418, ClinGen allele CA3338507.